The following is an entry in ClinVar:

NM_000540.3(RYR1):c.7653C>T (p.Asn2551=)

Gene: RYR1 (ryanodine receptor 1; plus strand). Cytogenetic location: 19q13.2.
Variant type: single nucleotide variant.
Coding change: c.7653C>T on transcript NM_000540.3 (MANE Select); coding-DNA position 7653, C replaced by T.
Protein change: p.Asn2551=; no amino-acid change (asparagine 2551 retained).
Molecular consequence: synonymous variant.
Genome position (GRCh38, 1-based): chr19:38,502,545, C>T. VCF-style: chr19-38502545-C-T. GRCh37 (hg19) VCF-style: chr19-38993185-C-T.
Other names: c.7653C>T, p.Asn2551= (NM_001042723.2).
Identifiers: ClinVar variation 478273 (VCV000478273.52), dbSNP rs201166038, ClinGen allele CA069925.

ClinVar aggregate classification (germline): Likely benign. Review status: criteria provided, multiple submitters, no conflicts (2 of 4 stars). 7 submissions from 7 submitters: Likely benign (7). Last evaluated 2026-01-12.

Conditions:
Malignant hyperthermia, susceptibility to, 1 (MHS1). Also called: Malignant hyperthermia suceptibility 1; Anesthesia related hyperthermia; Malignant hyperpyrexia; Fulminating hyperpyrexia; Pharmacogenic myopathy; RYR1-Related Malignant Hyperthermia Susceptibility. Identifiers: Orphanet 423, MedGen C2930980, MONDO:0007783, OMIM 145600.
RYR1-related disorder. Also called: RYR1-related disorders; RYR1-related condition. Identifiers: MedGen CN239331.

Allele frequency attached by ClinVar (database versions not stated): gnomAD 0.00004; gnomAD exomes 0.00004 and 0.00008; ExAC 0.00006; TOPMed 0.00007; ESP Exome Variant Server 0.00008.
gnomAD v4.1: 76 of 1,610,952 alleles (0.0047%); highest among the groups gnomAD compares: Admixed American, 0.0067%; no homozygotes.

Submissions (7):

Labcorp Genetics (formerly Invitae), Labcorp
Classification: Likely benign for RYR1-related disorder. Last evaluated: 2026-01-12. Review status: criteria provided, single submitter. Criteria: Invitae Variant Classification Sherloc (09022015). Collection method: clinical testing. Allele origin: germline.

All of Us Research Program, National Institutes of Health
Classification: Likely benign for Malignant hyperthermia, susceptibility to, 1. Last evaluated: 2024-01-11. Review status: criteria provided, single submitter. Criteria: ACMG Guidelines, 2015. Collection method: clinical testing. Allele origin: germline. Inheritance: Autosomal dominant inheritance. Observed: 15 variant alleles, 15 heterozygotes.
Comment: This study involves interpretation of variants in research participants for the purpose of population health screening. Participant phenotype was not available at the time of variant classification. Additional details can be found in publication PMID: 35346344, PMCID: PMC8962531

CeGaT Center for Human Genetics Tuebingen
Classification: Likely benign. Last evaluated: 2022-12-01. Review status: criteria provided, single submitter. Criteria: CeGaT Center For Human Genetics Tuebingen Variant Classification Criteria Version 2. Collection method: clinical testing. Allele origin: germline. Affected: yes. Observed: 2 variant alleles.
Comment: RYR1: BP4, BP7

Color Diagnostics, LLC DBA Color Health
Classification: Likely benign for Malignant hyperthermia, susceptibility to, 1. Last evaluated: 2022-08-17. Review status: criteria provided, single submitter. Criteria: ACMG Guidelines, 2015. Collection method: clinical testing. Allele origin: germline.

Blueprint Genetics
Classification: Likely benign. Last evaluated: 2021-10-30. Review status: criteria provided, single submitter. Criteria: ACMG Guidelines, 2015. Collection method: clinical testing. Allele origin: germline.

GeneDx
Classification: Likely benign. Last evaluated: 2018-03-28. Review status: criteria provided, single submitter. Criteria: GeneDx Variant Classification (06012015). Collection method: clinical testing. Allele origin: germline. Affected: yes.
Comment: This variant is considered likely benign or benign based on one or more of the following criteria: it is a conservative change, it occurs at a poorly conserved position in the protein, it is predicted to be benign by multiple in silico algorithms, and/or has population frequency not consistent with disease.

Breakthrough Genomics
Classification: Likely benign. Review status: criteria provided, single submitter. Criteria: ACMG Guidelines, 2015. Collection method: not provided. Allele origin: germline. Inheritance: Autosomal recessive inheritance. Affected: yes.